The following is an entry in ClinVar:

ClinVar aggregate classification (germline): Uncertain significance (1 of 4 stars; one submission).

Conditions:
RASopathy. Also called: Noonan spectrum disorder; rasopathies. Identifiers: Orphanet 536391, MedGen C5555857, MONDO:0021060.

Submission:

Labcorp Genetics (formerly Invitae), Labcorp
Classification: Uncertain significance for RASopathy. Last evaluated: 2022-03-08. Review status: criteria provided, single submitter. Criteria: Invitae Variant Classification Sherloc (09022015). Collection method: clinical testing. Allele origin: germline.
Comment: This sequence change replaces glycine, which is neutral and non-polar, with tryptophan, which is neutral and slightly polar, at codon 35 of the SHOC2 protein (p.Gly35Trp). In summary, the available evidence is currently insufficient to determine the role of this variant in disease. Therefore, it has been classified as a Variant of Uncertain Significance. Algorithms developed to predict the effect of missense changes on protein structure and function are either unavailable or do not agree on the potential impact of this missense change (SIFT: "Deleterious"; PolyPhen-2: "Possibly Damaging"; Align-GVGD: "Class C0"). This variant has not been reported in the literature in individuals affected with SHOC2-related conditions. This variant is not present in population databases (gnomAD no frequency).

NM_007373.4(SHOC2):c.103G>T (p.Gly35Trp)

Gene: SHOC2 (SHOC2 leucine rich repeat scaffold protein; plus strand). Cytogenetic location: 10q25.2.
Variant type: single nucleotide variant.
Coding change: c.103G>T on transcript NM_007373.4 (MANE Select); coding-DNA position 103, G replaced by T.
Protein change: p.Gly35Trp; replaces glycine 35 with tryptophan.
Molecular consequence: missense variant.
Genome position (GRCh38, 1-based): chr10:110,964,461, G>T. VCF-style: chr10-110964461-G-T. GRCh37 (hg19) VCF-style: chr10-112724219-G-T.
Other names: c.103G>T, p.Gly35Trp (NM_001269039.3, NM_001324336.2, NM_001324337.2); short protein forms G35W.
Identifiers: ClinVar variation 1514651 (VCV001514651.8), dbSNP rs751634012, ClinGen allele CA378381372.